The following is an entry in ClinVar:

ClinVar aggregate classification (germline): Pathogenic/Likely pathogenic. Review status: criteria provided, multiple submitters, no conflicts (2 of 4 stars). 7 submissions from 7 submitters: Pathogenic (6); Likely pathogenic (1). Last evaluated 2026-09-11.
ClinVar aggregate classification (somatic clinical impact): Tier I - Strong (1 of 4 stars; one submission).
ClinVar aggregate classification (oncogenicity): Oncogenic (1 of 4 stars; one submission).

Conditions:
Familial thoracic aortic aneurysm and aortic dissection (TAAD). Also called: Thoracic aortic aneurysms and dissections. Identifiers: Orphanet 91387, MedGen C4707243, MONDO:0019625.
Hereditary cancer-predisposing syndrome. Also called: Tumor predisposition; Hereditary Cancer Syndrome; Hereditary neoplastic syndrome; Neoplastic Syndromes, Hereditary. Identifiers: Orphanet 140162, MedGen C0027672, MeSH D009386, MONDO:0015356.
Juvenile polyposis syndrome (JPS). Identifiers: Orphanet 2929, MedGen C0345893, MONDO:0017380, OMIM 174900.
Generalized juvenile polyposis/juvenile polyposis coli. Also called: Juvenile polyposis coli. Identifiers: Orphanet 329971, MedGen C1868081, MONDO:0008276.
Juvenile polyposis/hereditary hemorrhagic telangiectasia syndrome (JPHT). Also called: POLYPOSIS, GENERALIZED JUVENILE, WITH PULMONARY ARTERIOVENOUS MALFORMATION; TELANGIECTASIA, HEREDITARY HEMORRHAGIC, WITH JUVENILE POLYPOSIS COLI; Juvenile Polyposis Syndrome / Hereditary Hemorrhagic Telangiectasia (JPS/HHT); JP/HHT SYNDROME; JUVENILE POLYPOSIS WITH HEREDITARY HEMORRHAGIC TELANGIECTASIA. Identifiers: Orphanet 2929, MedGen C1832942, MONDO:0008278, OMIM 175050.
Carcinoma of pancreas. Also called: Pancreatic cancer, somatic; Pancreatic carcinoma, somatic; PANCREATIC ACINAR CARCINOMA; PANCREATIC CARCINOMA; Exocrine pancreatic carcinoma. Identifiers: Orphanet 1333, Orphanet 217074, MedGen C0235974, MONDO:0005192. Disease mechanism: loss of function.
Myhre syndrome (MYHRS). Also called: LARYNGOTRACHEAL STENOSIS, ARTHROPATHY, PROGNATHISM, AND SHORT STATURE; LAPS SYNDROME. Identifiers: Orphanet 2588, MedGen C0796081, MONDO:0007688, OMIM 139210.
SMAD4-related disorder. Also called: SMAD4-related condition; SMAD4-Related disorders.
Colorectal cancer. Also called: Colorectal cancer, somatic; Malignant Colorectal Neoplasm. Identifiers: MedGen C0346629, MONDO:0005575, OMIM 114500.
Neoplasm. Also called: Neoplasms; Neoplasm (disease); tumor. Identifiers: MedGen C0027651, MeSH D009369, MONDO:0005070, HP:0002664.

Submissions (9):

Ambry Genetics
Classification: Pathogenic for Hereditary cancer-predisposing syndrome; Familial thoracic aortic aneurysm and aortic dissection. Last evaluated: 2026-09-11. Review status: criteria provided, single submitter. Criteria: Ambry Variant Classification Scheme 2023. Collection method: clinical testing. Allele origin: germline.
Comment: The p.R361H pathogenic mutation (also known as c.1082G>A), located in coding exon 8 of the SMAD4 gene, results from a G to A substitution at nucleotide position 1082. The arginine at codon 361 is replaced by histidine, an amino acid with highly similar properties. This mutation has been reported in multiple individuals with a clinical diagnosis of juvenile polyposis syndrome (JPS) and several also with a diagnosis of hereditary hemorrhagic telangiectasia (HHT) (Kim IJ et al. Int. J. Cancer, 2000 May;86:529-32; Aretz S et al. J. Med. Genet., 2007 Nov;44:702-9). This mutation was shown through in vitro interaction assays to disrupt Smad2/Smad4 heterocomplex formation (Wu JW et al. J. Biol. Chem., 2001 Jun;276:20688-94). In addition, multiple other alterations at the same codon (p.R361C, p.R361G, p.R361L, p.R361S) have also been described in individuals with clinical JPS as well as combined JPS-HHT (Gallione C et al. Am. J. Med. Genet. A, 2010 Feb;152A:333-9; Houlston R et al. Hum. Mol. Genet., 1998 Nov;7:1907-12; Howe JR et al. J. Med. Genet., 2004 Jul;41:484-91). Based on the supporting evidence, this alteration is interpreted as a disease-causing mutation.

Labcorp Genetics (formerly Invitae), Labcorp
Classification: Pathogenic for Juvenile polyposis syndrome. Last evaluated: 2025-11-03. Review status: criteria provided, single submitter. Criteria: Invitae Variant Classification Sherloc (09022015). Collection method: clinical testing. Allele origin: germline.
Comment: This sequence change replaces arginine, which is basic and polar, with histidine, which is basic and polar, at codon 361 of the SMAD4 protein (p.Arg361His). This variant is not present in population databases (gnomAD no frequency). This missense change has been observed in individuals with juvenile polyposis syndrome (JPS), hereditary hemorrhagic telangiectasia (HHT) and a combined syndrome including features of both diseases (JPHT) (PMID: 10797267, 17873119, 20101697, 22331366). Invitae Evidence Modeling of clinical and family history, age, sex, and reported ancestry of multiple individuals with this SMAD4 variant has been performed. This variant is expected to be pathogenic with a positive predictive value of at least 99%. This is a validated machine learning model that incorporates the clinical features of 35,205 individuals referred to our laboratory for SMAD4 testing. ClinVar contains an entry for this variant (Variation ID: 24832). Invitae Evidence Modeling incorporating data from in vitro experimental studies (internal data) indicates that this missense variant is expected to disrupt SMAD4 function with a positive predictive value of 80%. Experimental studies have shown that this missense change affects SMAD4 function (PMID: 15014009, 27595937). This variant disrupts the p.Arg361 amino acid residue in SMAD4. Other variant(s) that disrupt this residue have been determined to be pathogenic (PMID: 9811934, 10764709, 16613914, 17873119, 20101697). This suggests that this residue is clinically significant, and that variants that disrupt this residue are likely to be disease-causing. For these reasons, this variant has been classified as Pathogenic.

Center for Genomic Medicine, Rigshospitalet, Copenhagen University Hospital
Classification: Oncogenic for Neoplasm. Last evaluated: 2025-03-04. Review status: criteria provided, single submitter. Criteria: ClinGen/CGC/VICC Guidelines for Oncogenicity, 2022. Collection method: clinical testing. Allele origin: somatic. Affected: yes.

Myriad Genetics, Inc.
Classification: Likely pathogenic for Juvenile polyposis/hereditary hemorrhagic telangiectasia syndrome. Last evaluated: 2024-02-09. Review status: criteria provided, single submitter. Criteria: Myriad Autosomal Dominant, Autosomal Recessive and X-Linked Classification Criteria (2023). Collection method: clinical testing. Allele origin: unknown.
Comment: This variant is considered likely pathogenic. Functional studies indicate this variant impacts protein function [PMID: 33326750, 27595937, 17132729, 11274206]. This variant is expected to disrupt protein structure [Myriad internal data]. This variant has been reported in multiple individuals with clinical features of gene-specific disease [PMID: 10797267, 17873119, 22331366].

Institute for Genomic Medicine (IGM) Clinical Laboratory, Nationwide Children's Hospital
Classification: Tier I - Strong for Colorectal cancer. Assertion type: diagnostic. Clinical significance: supports diagnosis. Last evaluated: 2023-10-17. Review status: criteria provided, single submitter. Criteria: AMP/ASCO/CAP Guidelines, 2017. Collection method: clinical testing. Allele origin: somatic. Affected: yes.
Comment: Variant has Tier I (strong) clinical significance as a diagnostic inclusion criterion in colorectal cancer, based on the following evidence: 1) Documented in one or more cancer databases (e.g., St. Jude Pecan, COSMIC, CIViC, OncoKB). 2) Appears in one or more well-established professional guidelines (e.g., World Health Organization [WHO]; National Comprehensive Cancer Network [NCCN]) as providing diagnostic, prognostic, or therapeutic information. 3) Information in the literature supports potential biologic effect of variant (PMIDs: 19909744, 29483830, 11779503, 11274206, 17132729). 4) Diagnostic for a specific tumor type/classification based on well-powered studies with expert-level consensus (Evidence Level B; PMIDs: 28267766, 29316426, 30032163, 31080553, 31400926, 31515570).

Women's Health and Genetics/Laboratory Corporation of America, LabCorp
Classification: Pathogenic for Juvenile polyposis syndrome. Last evaluated: 2022-02-21. Review status: criteria provided, single submitter. Criteria: LabCorp Variant Classification Summary - May 2015. Collection method: clinical testing. Allele origin: germline.
Comment: Variant summary: SMAD4 c.1082G>A (p.Arg361His) results in a non-conservative amino acid change in the encoded protein sequence. Five of five in-silico tools predict a damaging effect of the variant on protein function. The variant was absent in 251392 control chromosomes. c.1082G>A has been reported in the literature in individuals affected with Juvenile Polyposis Syndrome or hereditary hemorrhagic telangiectasia. These data indicate that the variant is associated with disease. Four clinical diagnostic laboratories have submitted clinical-significance assessments for this variant to ClinVar after 2014 without evidence for independent evaluation. All laboratories classified the variant as pathogenic/likely pathogenic. Based on the evidence outlined above, the variant was classified as pathogenic.

Blueprint Genetics
Classification: Pathogenic for SMAD4-related disorders. Last evaluated: 2021-03-18. Review status: criteria provided, single submitter. Criteria: ACMG Guidelines, 2015. Collection method: clinical testing. Allele origin: germline. Affected: yes. Observed: 3 variant alleles.

GeneDx
Classification: Pathogenic. Last evaluated: 2020-11-20. Review status: criteria provided, single submitter. Criteria: GeneDx Variant Classification Process June 2021. Collection method: clinical testing. Allele origin: germline. Affected: yes.
Comment: Published functional studies demonstrate a damaging effect: inhibition of SMAD2 binding and defective down regulation of c-myc in a TGF-beta-dependent manner (Wu 2001, Lim 2006); Not observed in large population cohorts (Lek 2016); In silico analysis supports that this missense variant has a deleterious effect on protein structure/function; This variant is associated with the following publications: (PMID: 26046389, 10340381, 22331366, 10797267, 11274206, 27595937, 23139211, 24525918, 17873119, 20101697, 17132729, 28693246, 32300199)

Fulgent Genetics
Classification: Pathogenic for Myhre syndrome; Juvenile polyposis syndrome; Juvenile polyposis/hereditary hemorrhagic telangiectasia syndrome; Familial pancreatic carcinoma. Last evaluated: 2018-10-31. Review status: criteria provided, single submitter. Criteria: ACMG Guidelines, 2015. Collection method: clinical testing. Allele origin: unknown.

Literature cited by the submitters: PubMed 10797267 (cited by 4 submitters); PubMed 11274206 (cited by 4 submitters); PubMed 15031030 (cited by Ambry Genetics); PubMed 15235019 (cited by Ambry Genetics); PubMed 17873119 (cited by 4 submitters); PubMed 20101697 (cited by Ambry Genetics and Labcorp Genetics (formerly Invitae), Labcorp); PubMed 9811934 (cited by Ambry Genetics and Labcorp Genetics (formerly Invitae), Labcorp); PubMed 22331366 (cited by Labcorp Genetics (formerly Invitae), Labcorp and Myriad Genetics, Inc.); PubMed 15014009 (cited by Labcorp Genetics (formerly Invitae), Labcorp); PubMed 27595937 (cited by 3 submitters); PubMed 10764709 (cited by Labcorp Genetics (formerly Invitae), Labcorp); PubMed 16613914 (cited by Labcorp Genetics (formerly Invitae), Labcorp); PubMed 33326750 (cited by Myriad Genetics, Inc.); PubMed 17132729 (cited by Myriad Genetics, Inc. and Institute for Genomic Medicine (IGM) Clinical Laboratory, Nationwide Children's Hospital); PubMed 19909744 (cited by Institute for Genomic Medicine (IGM) Clinical Laboratory, Nationwide Children's Hospital); PubMed 29483830 (cited by Institute for Genomic Medicine (IGM) Clinical Laboratory, Nationwide Children's Hospital); PubMed 11779503 (cited by Institute for Genomic Medicine (IGM) Clinical Laboratory, Nationwide Children's Hospital); PubMed 28267766 (cited by Institute for Genomic Medicine (IGM) Clinical Laboratory, Nationwide Children's Hospital); PubMed 29316426 (cited by Institute for Genomic Medicine (IGM) Clinical Laboratory, Nationwide Children's Hospital); PubMed 30032163 (cited by Institute for Genomic Medicine (IGM) Clinical Laboratory, Nationwide Children's Hospital); PubMed 31080553 (cited by Institute for Genomic Medicine (IGM) Clinical Laboratory, Nationwide Children's Hospital); PubMed 31400926 (cited by Institute for Genomic Medicine (IGM) Clinical Laboratory, Nationwide Children's Hospital); PubMed 31515570 (cited by Institute for Genomic Medicine (IGM) Clinical Laboratory, Nationwide Children's Hospital); PubMed 32300199 (cited by Women's Health and Genetics/Laboratory Corporation of America, LabCorp).

NM_005359.6(SMAD4):c.1082G>A (p.Arg361His)

Gene: SMAD4 (SMAD family member 4; plus strand). Cytogenetic location: 18q21.2.
Variant type: single nucleotide variant.
Coding change: c.1082G>A on transcript NM_005359.6 (MANE Select); coding-DNA position 1082, G replaced by A.
Protein change: p.Arg361His; replaces arginine 361 with histidine.
Molecular consequence: missense variant.
Genome position (GRCh38, 1-based): chr18:51,065,549, G>A. VCF-style: chr18-51065549-G-A. GRCh37 (hg19) VCF-style: chr18-48591919-G-A.
Other names: short protein forms R361H.
Identifiers: ClinVar variation 24832 (VCV000024832.25), dbSNP rs377767347, ClinGen allele CA128097.
Genomic context (GRCh38, chr18:51,065,549, plus strand): 5'-TTCCTTCAAGCTGCCCTATTGTTACTGTTGATGGATACGTGGACCCTTCTGGAGGAGATC[G>A]CTTTTGTTTGGGTCAACTCTCCAATGTCCACAGGACAGAAGCCATTGAGAGAGCAAGGTA-3'
Protein context (NP_005350.1, residues 351-371): DGYVDPSGGD[Arg361His]FCLGQLSNVH